The following is an entry in ClinVar:

ClinVar aggregate classification (germline): Likely benign. Review status: criteria provided, single submitter (1 of 4 stars). 2 submissions from 2 submitters: Likely benign (1). 1 of the submissions does not count toward it. Last evaluated 2024-11-14.

Conditions:
ABCC1-related disorder. Also called: ABCC1-related condition.

Allele frequency attached by ClinVar (database versions not stated): ESP Exome Variant Server 0.00008; gnomAD exomes 0.00023; gnomAD 0.00034; TOPMed 0.00041; ExAC 0.00042.
gnomAD v4.1: 391 of 1,614,144 alleles (0.024%); highest among the groups gnomAD compares: East Asian, 0.38%; no homozygotes.

Submissions (2):

Blueprint Genetics
Classification: Likely benign. Last evaluated: 2024-11-14. Review status: criteria provided, single submitter. Criteria: ACMG Guidelines, 2015. Collection method: clinical testing. Allele origin: germline.

PreventionGenetics, part of Exact Sciences
Classification: Benign for ABCC1-related condition. Last evaluated: 2021-01-11. Review status: no assertion criteria provided. Collection method: clinical testing. Allele origin: germline. Not counted in ClinVar's aggregate classification.
Comment: This variant is classified as benign based on ACMG/AMP sequence variant interpretation guidelines (Richards et al. 2015 PMID: 25741868, with internal and published modifications).

NM_004996.4(ABCC1):c.3019G>A (p.Gly1007Arg)

Gene: ABCC1 (ATP binding cassette subfamily C member 1 (ABCC1 blood group); plus strand). Cytogenetic location: 16p13.11.
Variant type: single nucleotide variant.
Coding change: c.3019G>A on transcript NM_004996.4 (MANE Select); coding-DNA position 3019, G replaced by A.
Protein change: p.Gly1007Arg; replaces glycine 1007 with arginine.
Molecular consequence: missense variant.
Genome position (GRCh38, 1-based): chr16:16,111,522, G>A. VCF-style: chr16-16111522-G-A. GRCh37 (hg19) VCF-style: chr16-16205379-G-A.
Other names: c.2842G>A, p.Gly948Arg (NM_019862.3); short protein forms G1007R, G948R.
Identifiers: ClinVar variation 3054117 (VCV003054117.3), dbSNP rs200760311, ClinGen allele CA7924517.